The following is an entry in ClinVar:

NM_001303250.3(SLC25A46):c.10+4G>A

Genes: SLC25A46 (solute carrier family 25 member 46; plus strand), TMEM232 (transmembrane protein 232; minus strand). Cytogenetic location: 5q22.1.
Variant type: single nucleotide variant.
Coding change: c.10+4G>A on transcript NM_001303250.3; 4 bases into the intron after coding-DNA position 10, G replaced by A.
Molecular consequence: intron variant.
Genome position (GRCh38, 1-based): chr5:110,738,251, G>A. VCF-style: chr5-110738251-G-A. GRCh37 (hg19) VCF-style: chr5-110073952-G-A.
Identifiers: ClinVar variation 4971601 (VCV004971601.2).
Genomic context (GRCh38, chr5:110,738,251, plus strand): 5'-TTCCTCAGATCTGGGGAGGGAGCCTGGCCCAAGAGCCCGTGGAGCTAATGAAAACAGGTA[G>A]TAGGGGACGCTCTACAGTAGTCCTCTCAGTTATTCAATTAGAGGTCCCAATTTTGAACGA-3'

ClinVar aggregate classification (germline): Benign/Likely benign. Review status: criteria provided, multiple submitters, no conflicts (2 of 4 stars). 2 submissions from 2 submitters: Benign (1); Likely benign (1). Last evaluated 2025-09-17.

Conditions:
SLC25A46-related disorder. Also called: SLC25A46-related condition.

gnomAD v4.1: 113 of 1,286,838 alleles (0.0088%); highest among the groups gnomAD compares: East Asian, 0.59%; no homozygotes.

Submissions (2):

PreventionGenetics, part of Exact Sciences
Classification: Likely benign for SLC25A46-related condition. Last evaluated: 2025-09-17. Review status: criteria provided, single submitter. Criteria: ACMG Guidelines, 2015. Collection method: clinical testing. Allele origin: germline.
Comment: This variant is classified as likely benign based on ACMG/AMP sequence variant interpretation guidelines (Richards et al. 2015 PMID: 25741868, with internal and published modifications).

Blueprint Genetics
Classification: Benign. Last evaluated: 2024-10-24. Review status: criteria provided, single submitter. Criteria: ACMG Guidelines, 2015. Collection method: clinical testing. Allele origin: germline.